The following is an entry in ClinVar:

ClinVar aggregate classification (germline): Conflicting classifications of pathogenicity. Review status: criteria provided, conflicting classifications (1 of 4 stars). 9 submissions from 7 submitters: Uncertain significance (5); Likely benign (3). 1 of the submissions does not count toward it. Last evaluated 2026-03-01.

Conditions:
Inborn genetic diseases. Identifiers: MedGen C0950123, MeSH D030342.
Meckel-Gruber syndrome. Also called: DYSENCEPHALIA SPLANCHNOCYSTICA; GRUBER SYNDROME; Dysencephalia splachnocystica. Identifiers: Orphanet 564, MedGen C0265215, MONDO:0018921.
Joubert syndrome. Also called: Familial aplasia of the vermis; JOUBERT-BOLTSHAUSER SYNDROME. Identifiers: Orphanet 475, MedGen C5979921, MONDO:0018772.
RPGRIP1L-related disorder. Also called: RPGRIP1L-related disorders; RPGRIP1L-related condition. Identifiers: MedGen CN239416.
Meckel syndrome, type 5 (MKS5). Identifiers: Orphanet 564, MedGen C1969052, MONDO:0012695, OMIM 611561.
Nephronophthisis 8. Identifiers: MedGen CN119610.
Joubert syndrome 7 (JBTS7). Identifiers: Orphanet 220497, MedGen C1969053, MONDO:0012694, OMIM 611560.

Allele frequency attached by ClinVar (database versions not stated): TOPMed 0.00030; ExAC 0.00038; gnomAD exomes 0.00044 and 0.00068; ESP Exome Variant Server 0.00046; gnomAD 0.00050 and 0.00052.
gnomAD v4.1: 1,032 of 1,614,038 alleles (0.064%); highest among the groups gnomAD compares: Non-Finnish European, 0.073%; 2 homozygotes.

Submissions (9):

PreventionGenetics, part of Exact Sciences
Classification: Uncertain significance for RPGRIP1L-related condition. Last evaluated: 2026-03-01. Review status: criteria provided, single submitter. Criteria: ACMG Guidelines, 2015. Collection method: clinical testing. Allele origin: germline.
Comment: The RPGRIP1L c.3562G>A variant is predicted to result in the amino acid substitution p.Val1188Met. This variant was reported in the compound heterozygous state in a patient with subcortical heterotopia; however, pathogenicity was not established (Uzquiano et al. 2019. PubMed ID: 31390572). This variant is reported in 0.21% of alleles in individuals of European (Finnish) descent in gnomAD, which is significantly more common than other known pathogenic variants in RPGRIP1L. Although we suspect this variant may be benign, at this time its clinical significance is uncertain due to the absence of conclusive functional and genetic evidence.

Labcorp Genetics (formerly Invitae), Labcorp
Classification: Likely benign for Joubert syndrome; Meckel-Gruber syndrome. Last evaluated: 2026-01-28. Review status: criteria provided, single submitter. Criteria: Invitae Variant Classification Sherloc (09022015). Collection method: clinical testing. Allele origin: germline.

Mayo Clinic Laboratories, Mayo Clinic
Classification: Uncertain significance. Last evaluated: 2025-01-28. Review status: criteria provided, single submitter. Criteria: ACMG Guidelines, 2015. Collection method: clinical testing. Allele origin: germline. Observed: 1 variant allele.
Comment: BP4

Blueprint Genetics
Classification: Likely benign. Last evaluated: 2024-11-21. Review status: criteria provided, single submitter. Criteria: ACMG Guidelines, 2015. Collection method: clinical testing. Allele origin: germline.

Ambry Genetics
Classification: Likely benign for Inborn genetic diseases. Last evaluated: 2024-07-08. Review status: criteria provided, single submitter. Criteria: Ambry Variant Classification Scheme 2023. Collection method: clinical testing. Allele origin: germline.

Illumina Laboratory Services, Illumina
Classification: Uncertain significance for Nephronophthisis 8. Last evaluated: 2018-01-12. Review status: criteria provided, single submitter. Criteria: ICSL Variant Classification Criteria 13 December 2019. Collection method: clinical testing. Allele origin: germline.

Illumina Laboratory Services, Illumina
Classification: Uncertain significance for Meckel syndrome, type 5. Last evaluated: 2018-01-12. Review status: criteria provided, single submitter. Criteria: ICSL Variant Classification Criteria 13 December 2019. Collection method: clinical testing. Allele origin: germline.

Illumina Laboratory Services, Illumina
Classification: Uncertain significance for Joubert syndrome 7. Last evaluated: 2018-01-12. Review status: criteria provided, single submitter. Criteria: ICSL Variant Classification Criteria 13 December 2019. Collection method: clinical testing. Allele origin: germline.

Natera, Inc.
Classification: Uncertain significance for Joubert syndrome. Last evaluated: 2020-04-24. Review status: no assertion criteria provided. Collection method: clinical testing. Allele origin: germline. Not counted in ClinVar's aggregate classification.

Literature cited by the submitters: PubMed 31390572 (cited by Mayo Clinic Laboratories, Mayo Clinic).

NM_015272.5(RPGRIP1L):c.3562G>A (p.Val1188Met)

Gene: RPGRIP1L (RPGRIP1 like; minus strand). Cytogenetic location: 16q12.2.
Variant type: single nucleotide variant.
Coding change: c.3562G>A on transcript NM_015272.5 (MANE Select); coding-DNA position 3562, G replaced by A.
Protein change: p.Val1188Met; replaces valine 1188 with methionine.
Molecular consequence: missense variant.
Genome position (GRCh38, 1-based): chr16:53,619,079, C>T on the plus strand (G>A on the coding strand, the complement: RPGRIP1L is on the minus strand). VCF-style: chr16-53619079-C-T. GRCh37 (hg19) VCF-style: chr16-53652991-C-T.
Other names: p.Val1188Met; c.3322G>A, p.Val1108Met (NM_001127897.4); c.3424G>A, p.Val1142Met (NM_001308334.3); c.3460G>A, p.Val1154Met (NM_001330538.2); c.3562G>A (NM_015272.4); short protein forms V1108M, V1188M, V1142M, V1154M.
Identifiers: ClinVar variation 241026 (VCV000241026.24), dbSNP rs142317242, ClinGen allele CA8057257.